The following is an entry in ClinVar:

NM_006662.2(SRCAP):c.1493-18_1493-14delCTTGGins23

Gene: SRCAP (Snf2 related CREBBP activator protein; plus strand). Cytogenetic location: 16p11.2.
Variant type: Indel.
Coding change: c.1493-18_1493-14delCTTGGins23 on transcript NM_006662.2; 18 bases into the intron before coding-DNA position 1493 through 14 bases into the intron before coding-DNA position 1493, this stretch deleted.
Identifiers: ClinVar variation 507874 (VCV000507874.1).

ClinVar aggregate classification (germline): Likely benign (1 of 4 stars; one submission).

Submission:

GeneDx
Classification: Likely benign. Last evaluated: 2017-03-03. Review status: criteria provided, single submitter. Criteria: GeneDx Variant Classification (06012015). Collection method: clinical testing. Allele origin: germline. Affected: yes.
Comment: This variant is considered likely benign or benign based on one or more of the following criteria: it is a conservative change, it occurs at a poorly conserved position in the protein, it is predicted to be benign by multiple in silico algorithms, and/or has population frequency not consistent with disease.